The following is an entry in ClinVar:

ClinVar aggregate classification (germline): Uncertain significance (1 of 4 stars; one submission).

Submission:

GeneDx
Classification: Uncertain significance. Last evaluated: 2025-08-15. Review status: criteria provided, single submitter. Criteria: GeneDx Variant Classification Process June 2021. Collection method: clinical testing. Allele origin: germline. Affected: yes.
Comment: Not observed at significant frequency in large population cohorts (gnomAD); In silico analysis suggests that this missense variant does not alter protein structure/function; Has not been previously published as pathogenic or benign to our knowledge

NM_005909.5(MAP1B):c.4978A>G (p.Met1660Val)

Gene: MAP1B (microtubule associated protein 1B; plus strand). Cytogenetic location: 5q13.2.
Variant type: single nucleotide variant.
Coding change: c.4978A>G on transcript NM_005909.5 (MANE Select); coding-DNA position 4978, A replaced by G.
Protein change: p.Met1660Val; replaces methionine 1660 with valine.
Molecular consequence: missense variant.
Genome position (GRCh38, 1-based): chr5:72,198,333, A>G. VCF-style: chr5-72198333-A-G. GRCh37 (hg19) VCF-style: chr5-71494160-A-G.
Other names: c.4600A>G, p.Met1534Val (NM_001324255.2); short protein forms M1534V, M1660V.
Identifiers: ClinVar variation 4795313 (VCV004795313.1).
Genomic context (GRCh38, chr5:72,198,333, plus strand): 5'-TCTGAACAGTCCTCAATGTCTATTGAATTTGGCCAAGAATCTCCTGAGCAATCCCTTGCT[A>G]TGGACTTCAGTCGACAGTCTCCAGATCACCCTACAGTGGGTGCAGGCGTGCTTCACATCA-3'
Protein context (NP_005900.2, residues 1650-1670): GQESPEQSLA[Met1660Val]DFSRQSPDHP